The following is an entry in ClinVar:

NM_000492.4(CFTR):c.4277C>A (p.Ser1426Tyr)

Genes: CFTR (CF transmembrane conductance regulator; plus strand), LOC111674477 (CFTR intron 23 enhancer; plus strand). Cytogenetic location: 7q31.2.
Variant type: single nucleotide variant.
Coding change: c.4277C>A on transcript NM_000492.4 (MANE Select); coding-DNA position 4277, C replaced by A.
Protein change: p.Ser1426Tyr; replaces serine 1426 with tyrosine.
Molecular consequence: missense variant.
Genome position (GRCh38, 1-based): chr7:117,666,942, C>A. VCF-style: chr7-117666942-C-A. GRCh37 (hg19) VCF-style: chr7-117306996-C-A.
Other names: short protein forms S1426Y.
Identifiers: ClinVar variation 618957 (VCV000618957.15), dbSNP rs762847468, ClinGen allele CA4451683.
Genomic context (GRCh38, chr7:117,666,942, plus strand): 5'-GATCTCACTAACAGCCATTTCCCTAGGTCATAGAAGAGAACAAAGTGCGGCAGTACGATT[C>A]CATCCAGAAACTGCTGAACGAGAGGAGCCTCTTCCGGCAAGCCATCAGCCCCTCCGACAG-3'
Protein context (NP_000483.3, residues 1416-1436): IEENKVRQYD[Ser1426Tyr]IQKLLNERSL

ClinVar aggregate classification (germline): Uncertain significance. Review status: criteria provided, multiple submitters, no conflicts (2 of 4 stars). 9 submissions from 9 submitters: Uncertain significance (8). 1 of the submissions does not count toward it. Last evaluated 2025-11-24.

Conditions:
Cystic fibrosis (CF). Also called: MUCOVISCIDOSIS. Identifiers: Orphanet 586, MedGen C0010674, MONDO:0009061, OMIM 219700. Disease mechanism: loss of function.
CFTR-related disorder (CFTR-RD). Also called: CFTR-related disorders; CFTR-related condition. Identifiers: MedGen C5924204, MONDO:7770004.

gnomAD v4.1: 3 of 1,614,026 alleles (0.00019%); highest among the groups gnomAD compares: Admixed American, 0.0017%; no homozygotes.

Submissions (9):

Ambry Genetics
Classification: Uncertain significance for Cystic fibrosis. Last evaluated: 2025-11-24. Review status: criteria provided, single submitter. Criteria: Ambry Variant Classification Scheme 2023. Collection method: clinical testing. Allele origin: germline.
Comment: The p.S1426Y variant (also known as c.4277C>A), located in coding exon 27 of the CFTR gene, results from a C to A substitution at nucleotide position 4277. The serine at codon 1426 is replaced by tyrosine, an amino acid with dissimilar properties. This alteration was detected in a cohort of Brazilian individuals with CF (da Silva Filho LVRF et al. J Cyst Fibros, 2021 May;20:473-484). This alteration was also detected in a pediatric patient with reported liver failure who underwent whole-exome sequencing (Vilarinho S et al. J Hepatol, 2014 Nov;61:1056-63). This amino acid position is highly conserved in available vertebrate species. In addition, this alteration is predicted to be deleterious by in silico analysis. Since supporting evidence is limited at this time, the clinical significance of this alteration remains unclear.

3billion
Classification: Uncertain significance for Cystic fibrosis. Last evaluated: 2025-06-02. Review status: criteria provided, single submitter. Criteria: ACMG Guidelines, 2015. Collection method: clinical testing. Allele origin: germline. Affected: yes.
Comment: The variant is observed at an extremely low frequency in the gnomAD v4.1.0 dataset (total allele frequency: <0.001%). Predicted Consequence/Location: Missense variant In silico tool predictions suggest damaging effect of the variant on gene or gene product [REVEL: 0.86 (>=0.6, sensitivity 0.68 and specificity 0.92); 3Cnet: 0.73 (> 0.75, sensitivity 0.96 and precision 0.92)]. The same nucleotide change resulting in the same amino acid change has been previously reported to be associated with CFTR-related disorder (3billion dataset). However, the evidence of pathogenicity is insufficient at this time. A different missense change at the same codon (p.Ser1426Pro) has been reported as pathogenic/likely pathogenic with the supporting evidence (ClinVar ID: VCV000053937). Therefore, this variant is classified as VUS according to the recommendation of ACMG/AMP guideline.

Labcorp Genetics (formerly Invitae), Labcorp
Classification: Uncertain significance for Cystic fibrosis. Last evaluated: 2022-10-16. Review status: criteria provided, single submitter. Criteria: Invitae Variant Classification Sherloc (09022015). Collection method: clinical testing. Allele origin: germline.
Comment: This sequence change replaces serine, which is neutral and polar, with tyrosine, which is neutral and polar, at codon 1426 of the CFTR protein (p.Ser1426Tyr). This variant is present in population databases (rs762847468, gnomAD 0.003%). This missense change has been observed in individual(s) with cystic fibrosis (PMID: 32819855). ClinVar contains an entry for this variant (Variation ID: 618957). Advanced modeling of protein sequence and biophysical properties (such as structural, functional, and spatial information, amino acid conservation, physicochemical variation, residue mobility, and thermodynamic stability) performed at Invitae indicates that this missense variant is expected to disrupt CFTR protein function. In summary, the available evidence is currently insufficient to determine the role of this variant in disease. Therefore, it has been classified as a Variant of Uncertain Significance.

Genome-Nilou Lab
Classification: Uncertain significance for Cystic fibrosis. Last evaluated: 2021-09-05. Review status: criteria provided, single submitter. Criteria: ACMG Guidelines, 2015. Collection method: clinical testing. Allele origin: germline. Affected: no.

GeneDx
Classification: Uncertain significance. Last evaluated: 2021-06-28. Review status: criteria provided, single submitter. Criteria: GeneDx Variant Classification Process June 2021. Collection method: clinical testing. Allele origin: germline. Affected: yes.
Comment: Not observed at significant frequency in large population cohorts (Lek et al., 2016); In silico analysis supports that this missense variant has a deleterious effect on protein structure/function; Observed in an individual with a clinical diagnosis of cystic fibrosis for which a second variant was not reported and in an individual with Alagille-like syndrome (Vilarinho 2014, da Silva Filho 2020); This variant is associated with the following publications: (PMID: 27535533, 25016221, 25880441, 32819855)

Women's Health and Genetics/Laboratory Corporation of America, LabCorp
Classification: Uncertain significance. Last evaluated: 2020-11-09. Review status: criteria provided, single submitter. Criteria: LabCorp Variant Classification Summary - May 2015. Collection method: clinical testing. Allele origin: germline.
Comment: Variant summary: CFTR c.4277C>A (p.Ser1426Tyr) results in a non-conservative amino acid change located in the ABC transporter-like domain (IPR003439) of the encoded protein sequence. Five of five in-silico tools predict a damaging effect of the variant on protein function. The variant allele was found at a frequency of 8e-06 in 250796 control chromosomes (gnomAD). The available data on variant occurrences in the general population are insufficient to allow any conclusion about variant significance. c.4277C>A has been reported in the literature in individuals affected with advanced liver disease of indeterminate aetiology or Cystic fibrosis (Vilarinho_2014, da Silva Filho_2020). These reports do not provide unequivocal conclusions about association of the variant with Chronic Pancreatitis Risk. To our knowledge, no experimental evidence demonstrating an impact on protein function has been reported. Two ClinVar submitters (evaluation after 2014) cite the variant as uncertain significance. Based on the evidence outlined above, the variant was classified as uncertain significance.

Johns Hopkins Genomics, Johns Hopkins University
Classification: Uncertain significance for Cystic fibrosis. Last evaluated: 2019-12-13. Review status: criteria provided, single submitter. Criteria: ACMG Guidelines, 2015. Collection method: clinical testing. Allele origin: germline.
Comment: This CFTR variant has not been reported in the literature in patients with cystic fibrosis to our knowledge. It is classified as a variant of uncertain clinical significance in ClinVar by a single submitter. This variant is rare (<0.1%) in a large population dataset (gnomAD: 2/250796 total alleles; 0.0008%; no homozygotes). Three bioinformatic tools queried predict that this substitution would be probably be damaging and the serine residue at this position is evolutionarily conserved in all species assessed except for the Southern platyfish. We consider the clinical significance of c.4277C>A to be uncertain at this time.

Mendelics
Classification: Uncertain significance for Cystic fibrosis. Last evaluated: 2018-11-05. Review status: criteria provided, single submitter. Criteria: Mendelics Assertion Criteria 2017. Collection method: clinical testing. Allele origin: unknown. Affected: yes.

Natera, Inc.
Classification: Uncertain significance for CFTR-related disorders. Last evaluated: 2018-07-16. Review status: no assertion criteria provided. Collection method: clinical testing. Allele origin: germline. Not counted in ClinVar's aggregate classification.

Literature cited by the submitters: PubMed 25016221 (cited by Ambry Genetics and Women's Health and Genetics/Laboratory Corporation of America, LabCorp); PubMed 32819855 (cited by 3 submitters); PubMed 25880441 (cited by Women's Health and Genetics/Laboratory Corporation of America, LabCorp).